The following is an entry in ClinVar:

NM_000552.5(VWF):c.2279G>A (p.Arg760His)

Gene: VWF (von Willebrand factor; minus strand). Cytogenetic location: 12p13.31.
Variant type: single nucleotide variant.
Coding change: c.2279G>A on transcript NM_000552.5 (MANE Select); coding-DNA position 2279, G replaced by A.
Protein change: p.Arg760His; replaces arginine 760 with histidine.
Molecular consequence: missense variant.
Genome position (GRCh38, 1-based): chr12:6,046,725, C>T on the plus strand (G>A on the coding strand, the complement: VWF is on the minus strand). VCF-style: chr12-6046725-C-T. GRCh37 (hg19) VCF-style: chr12-6155891-C-T.
Other names: c.2279G>A (NM_000552.4); short protein forms R760H.
Identifiers: ClinVar variation 31011 (VCV000031011.3), dbSNP rs61748467, ClinGen allele CA228316.

ClinVar aggregate classification (germline): Likely pathogenic. Review status: criteria provided, multiple submitters, no conflicts (2 of 4 stars). 4 submissions from 4 submitters: Likely pathogenic (2). 2 of the submissions do not count toward it. Last evaluated 2026-05-12.

Conditions:
von Willebrand disorder (VWD). Also called: von Willebrand's disease; Von Willebrand disease (hereditary or acquired); von Willebrand Diseases. Identifiers: MedGen C0042974, MeSH D014842, MONDO:0024574.
VWF-related disorder. Also called: VWF-related disorders; VWF-related condition.
von Willebrand disease type 1 (VWD1). Also called: VON WILLEBRAND DISEASE, TYPE I; VWD, TYPE 1. Identifiers: Orphanet 166078, Orphanet 903, MedGen C1264039, MONDO:0008668, OMIM 193400. Inheritance: autosomal recessive or autosomal dominant.

Allele frequency attached by ClinVar (database versions not stated): ExAC 0.00002; gnomAD exomes 0.00002; gnomAD 0.00003; TOPMed 0.00003.
gnomAD v4.1: 26 of 1,613,888 alleles (0.0016%); highest among the groups gnomAD compares: African/African-American, 0.0027%; no homozygotes.

Submissions (4):

Women's Health and Genetics/Laboratory Corporation of America, LabCorp
Classification: Likely pathogenic for von Willebrand disorder. Last evaluated: 2026-05-12. Review status: criteria provided, single submitter. Criteria: LabCorp Variant Classification Summary - May 2015. Collection method: clinical testing. Allele origin: germline.
Comment: Variant summary: VWF c.2279G>A (p.Arg760His) results in a non-conservative amino acid change in the encoded protein sequence near a canonical splice site. Algorithms developed to predict the effect of missense changes on protein structure and function are either unavailable or do not agree on the potential impact of this missense change. Consensus agreement among computation tools predict no significant impact on normal splicing. However, these predictions have yet to be confirmed by functional studies. The variant allele was found at a frequency of 1.6e-05 in 251300 control chromosomes. c.2279G>A has been observed in the heterozygous state in individuals affected with type 1 Von Willebrand Disease (Riddell_2009, Liang_2017, Sadler_2021) and also together with a second pathogenic variant in individuals affected with type 2M Von Willebrand Disease (Schneppenheim_2009, Riddell_2009). These data indicate that the variant is likely to be associated with disease. At least one publication reports experimental evidence evaluating an impact on protein function and found the variant resulted in reduced expression in vitro, but did not affect collagen binding or multimer distribution (Riddell_2009). The following publications have been ascertained in the context of this evaluation (PMID: 28536718, 19687512, 33556167, 19404524). ClinVar contains an entry for this variant (Variation ID: 31011). Based on the evidence outlined above, the variant was classified as likely pathogenic.

PreventionGenetics, part of Exact Sciences
Classification: Likely pathogenic for VWF-related condition. Last evaluated: 2026-03-17. Review status: criteria provided, single submitter. Criteria: ACMG Guidelines, 2015. Collection method: clinical testing. Allele origin: germline.
Comment: The VWF c.2279G>A variant is predicted to result in the amino acid substitution p.Arg760His. This variant has been reported in the compound heterozygous state in two individuals with Von Willebrand disease (Schneppenheim et al. 2009. PubMed ID: 19404524; Riddell et al. 2009. PubMed ID: 19687512) and in the heterozygous state in individuals with milder Von Willebrand disease (Riddell et al. 2009. PubMed ID: 19687512; Liang et al. 2017. PubMed ID: 28536718). An alternate missense change at this amino acid (p.Arg760Cys) has been interpreted as likely pathogenic for autosomal recessive Von Willebrand disease 2N by ClinGen von Willebrand Disease Variant Curation Expert Panel. This p.Arg760Cys variant is reported in 0.0080% of alleles in individuals of African descent in gnomAD. Taken together, we interpret this variant as likely pathogenic for autosomal recessive Von Willebrand disease 2N.

OMIM
Classification: Pathogenic for VON WILLEBRAND DISEASE, TYPE 1. Last evaluated: 2009-10-15. Review status: no assertion criteria provided. Collection method: literature only. Allele origin: germline. Not counted in ClinVar's aggregate classification.

Academic Unit of Haematology, University of Sheffield
No classification provided. Review status: no classification provided. Collection method: not provided. Allele origin: not provided. Not counted in ClinVar's aggregate classification.

Literature cited by the submitters: PubMed 33556167 (cited by Women's Health and Genetics/Laboratory Corporation of America, LabCorp); PubMed 28536718 (cited by Women's Health and Genetics/Laboratory Corporation of America, LabCorp); PubMed 19687512 (cited by Women's Health and Genetics/Laboratory Corporation of America, LabCorp and OMIM); PubMed 19404524 (cited by Women's Health and Genetics/Laboratory Corporation of America, LabCorp).